The following is an entry in ClinVar:

ClinVar aggregate classification (germline): Conflicting classifications of pathogenicity. Review status: criteria provided, conflicting classifications (1 of 4 stars). 5 submissions from 5 submitters: Uncertain significance (2); Likely benign (2). 1 of the submissions does not count toward it. Last evaluated 2026-05-01.

Allele frequency attached by ClinVar (database versions not stated): 1000 Genomes Project 30x 0.00031; TOPMed 0.00036; 1000 Genomes Project 0.00040; ESP Exome Variant Server 0.00046; gnomAD exomes 0.00058 and 0.00088; gnomAD 0.00065 and 0.00067; ExAC 0.00115.

Submissions (5):

CeGaT Center for Human Genetics Tuebingen
Classification: Likely benign. Last evaluated: 2026-05-01. Review status: criteria provided, single submitter. Criteria: CeGaT Center For Human Genetics Tuebingen Variant Classification Criteria Version 2. Collection method: clinical testing. Allele origin: germline. Affected: yes. Observed: 1 variant allele.
Comment: NDUFB3: BP4

Labcorp Genetics (formerly Invitae), Labcorp
Classification: Likely benign. Last evaluated: 2026-01-17. Review status: criteria provided, single submitter. Criteria: Invitae Variant Classification Sherloc (09022015). Collection method: clinical testing. Allele origin: germline.

Mayo Clinic Laboratories, Mayo Clinic
Classification: Uncertain significance. Last evaluated: 2025-10-24. Review status: criteria provided, single submitter. Criteria: ACMG Guidelines, 2015. Collection method: clinical testing. Allele origin: germline. Observed: 1 variant allele.
Comment: BS2

GeneDx
Classification: Uncertain significance. Last evaluated: 2019-01-21. Review status: criteria provided, single submitter. Criteria: GeneDx Variant Classification (06012015). Collection method: clinical testing. Allele origin: germline. Affected: yes.
Comment: p.His7Tyr (CAT>TAT): c.19 C>T in exon 2 of the NDUFB3 gene (NM_002491.2) The H7Y variant has not been published as a mutation, nor has it been reported as a benign polymorphism to our knowledge. The H7Y variant is a non-conservative amino acid substitution, which is likely to impact secondary protein structure as these residues differ in polarity, charge, size and/or other properties. This substitution occurs at a position where amino acids with similar properties as Histidine are conserved across species. In silico analysis is inconsistent in its predictions as to whether or not the variant is damaging to the protein structure/function. Therefore, based on the currently available information, it is unclear whether this variant is a pathogenic mutation or a rare benign variant. The variant is found in MITONUC-MITOP panel(s).

Department of Pathology and Laboratory Medicine, Sinai Health System
Classification: Uncertain significance. Review status: no assertion criteria provided. Collection method: clinical testing. Allele origin: unknown. Affected: yes. Study: The Canadian Open Genetics Repository (COGR). Not counted in ClinVar's aggregate classification.
Comment: The NDUFB3 p.His7Tyr variant was not identified in the literature nor was it identified in Cosmic. The variant was identified in dbSNP (ID: rs144513268), ClinVar (classified as a VUS by GeneDx) and LOVD 3.0. The variant was identified in control databases in 256 of 281208 chromosomes (2 homozygous) at a frequency of 0.00091 increasing the likelihood this could be a low frequency benign variant (Genome Aggregation Database Feb 27, 2017). The variant was observed in the following populations: Other in 12 of 7168 chromosomes (freq: 0.001674), South Asian in 45 of 30172 chromosomes (freq: 0.001491), European (Finnish) in 36 of 25096 chromosomes (freq: 0.001434), European (non-Finnish) in 160 of 128586 chromosomes (freq: 0.001244), Ashkenazi Jewish in 2 of 10364 chromosomes (freq: 0.000193) and Latino in 1 of 35004 chromosomes (freq: 0.000029), while the variant was not observed in the African and East Asian populations. The p.His7 residue is not conserved in mammals and computational analyses (PolyPhen-2, SIFT, AlignGVGD, BLOSUM, MutationTaster) provide inconsistent predictions regarding the impact to the protein; this information is not very predictive of pathogenicity. The variant occurs outside of the splicing consensus sequence and in silico or computational prediction software programs (SpliceSiteFinder, MaxEntScan, NNSPLICE, GeneSplicer) do not predict a difference in splicing. In summary, based on the above information the clinical significance of this variant cannot be determined with certainty at this time. This variant is classified as a variant of uncertain significance.

NM_002491.3(NDUFB3):c.19C>T (p.His7Tyr)

Gene: NDUFB3 (NADH:ubiquinone oxidoreductase subunit B3; plus strand). Cytogenetic location: 2q33.1.
Variant type: single nucleotide variant.
Coding change: c.19C>T on transcript NM_002491.3 (MANE Select); coding-DNA position 19, C replaced by T.
Protein change: p.His7Tyr; replaces histidine 7 with tyrosine.
Molecular consequence: missense variant.
Genome position (GRCh38, 1-based): chr2:201,078,901, C>T. VCF-style: chr2-201078901-C-T. GRCh37 (hg19) VCF-style: chr2-201943624-C-T.
Other names: p.H7Y:CAT>TAT; p.His7Tyr; c.19C>T, p.His7Tyr (NM_001257102.2); short protein forms H7Y.
Identifiers: ClinVar variation 214762 (VCV000214762.17), dbSNP rs144513268, ClinGen allele CA320317.